The following is an entry in ClinVar:

ClinVar aggregate classification (germline): Uncertain significance (1 of 4 stars; one submission).

Allele frequency attached by ClinVar (database versions not stated): gnomAD exomes below 0.00001 and 0.00002; ExAC 0.00001; gnomAD 0.00001; TOPMed 0.00003; ESP Exome Variant Server 0.00008; 1000 Genomes Project 30x 0.00016; 1000 Genomes Project 0.00020.
gnomAD v4.1: 7 of 1,603,172 alleles (0.00044%); highest among the groups gnomAD compares: African/African-American, 0.0093%; no homozygotes.

Submission:

Labcorp Genetics (formerly Invitae), Labcorp
Classification: Uncertain significance. Last evaluated: 2022-06-28. Review status: criteria provided, single submitter. Criteria: Invitae Variant Classification Sherloc (09022015). Collection method: clinical testing. Allele origin: germline.
Comment: This sequence change replaces histidine, which is basic and polar, with tyrosine, which is neutral and polar, at codon 63 of the ASAH1 protein (p.His63Tyr). The frequency data for this variant in the population databases is considered unreliable, as metrics indicate poor data quality at this position in the gnomAD database. This variant has not been reported in the literature in individuals affected with ASAH1-related conditions. Algorithms developed to predict the effect of missense changes on protein structure and function (SIFT, PolyPhen-2, Align-GVGD) all suggest that this variant is likely to be tolerated. Algorithms developed to predict the effect of sequence changes on RNA splicing suggest that this variant may disrupt the consensus splice site. In summary, the available evidence is currently insufficient to determine the role of this variant in disease. Therefore, it has been classified as a Variant of Uncertain Significance.

NM_177924.5(ASAH1):c.187C>T (p.His63Tyr)

Gene: ASAH1 (N-acylsphingosine amidohydrolase 1; minus strand). Cytogenetic location: 8p22.
Variant type: single nucleotide variant.
Coding change: c.187C>T on transcript NM_177924.5 (MANE Select); coding-DNA position 187, C replaced by T.
Protein change: p.His63Tyr; replaces histidine 63 with tyrosine.
Molecular consequence: missense variant. On other transcripts: 5 prime UTR variant (1).
Genome position (GRCh38, 1-based): chr8:18,071,329, G>A on the plus strand (C>T on the coding strand, the complement: ASAH1 is on the minus strand). VCF-style: chr8-18071329-G-A. GRCh37 (hg19) VCF-style: chr8-17928838-G-A.
Other names: c.256C>T, p.His86Tyr (NM_001127505.3); c.-9C>T (NM_001363743.2); c.235C>T, p.His79Tyr (NM_004315.6); short protein forms H86Y, H79Y, H63Y.
Identifiers: ClinVar variation 1405993 (VCV001405993.5), dbSNP rs369242199, ClinGen allele CA4650989.